The following is an entry in ClinVar:

NM_001025603.2(RFX5):c.106G>C (p.Gly36Arg)

Gene: RFX5 (regulatory factor X5; minus strand). Cytogenetic location: 1q21.3.
Variant type: single nucleotide variant.
Coding change: c.106G>C on transcript NM_001025603.2 (MANE Select); coding-DNA position 106, G replaced by C.
Protein change: p.Gly36Arg; replaces glycine 36 with arginine.
Molecular consequence: missense variant.
Genome position (GRCh38, 1-based): chr1:151,346,215, C>G on the plus strand (G>C on the coding strand, the complement: RFX5 is on the minus strand). VCF-style: chr1-151346215-C-G. GRCh37 (hg19) VCF-style: chr1-151318691-C-G.
Other names: c.106G>C, p.Gly36Arg (NM_000449.4, NM_001379412.1, NM_001379413.1 and 7 more transcripts); short protein forms G36R.
Identifiers: ClinVar variation 940968 (VCV000940968.9), dbSNP rs1651042289, ClinGen allele CA341946834.
Genomic context (GRCh38, chr1:151,346,215, plus strand): 5'-GATCTATACTCAGGTCTTGGACAGGACTTGGAGATGTGATGAGTACTTACGAAATGGTAC[C>G]TCGGAGCCTCTGAAGAAGGGTGGTAGGTTCCCCAGCCTCAGCACCACCTGGGGGGGCCCT-3'
Protein context (NP_001020774.1, residues 26-46): EPTTLLQRLR[Gly36Arg]TISKAVQNKV

ClinVar aggregate classification (germline): Uncertain significance (1 of 4 stars; one submission).

Conditions:
MHC class II deficiency. Also called: Bare lymphocyte syndrome 2; BLS, TYPE II. Identifiers: Orphanet 572, MedGen C5447452, MONDO:0008855.

Submission:

Labcorp Genetics (formerly Invitae), Labcorp
Classification: Uncertain significance for MHC class II deficiency. Last evaluated: 2022-07-19. Review status: criteria provided, single submitter. Criteria: Invitae Variant Classification Sherloc (09022015). Collection method: clinical testing. Allele origin: germline.
Comment: This variant is not present in population databases (gnomAD no frequency). This sequence change replaces glycine, which is neutral and non-polar, with arginine, which is basic and polar, at codon 36 of the RFX5 protein (p.Gly36Arg). Algorithms developed to predict the effect of missense changes on protein structure and function are either unavailable or do not agree on the potential impact of this missense change (SIFT: "Tolerated"; PolyPhen-2: "Possibly Damaging"; Align-GVGD: "Class C0"). ClinVar contains an entry for this variant (Variation ID: 940968). This variant has not been reported in the literature in individuals affected with RFX5-related conditions. In summary, the available evidence is currently insufficient to determine the role of this variant in disease. Therefore, it has been classified as a Variant of Uncertain Significance. Algorithms developed to predict the effect of sequence changes on RNA splicing suggest that this variant may disrupt the consensus splice site.